The following is an entry in ClinVar:

ClinVar aggregate classification (germline): Uncertain significance (1 of 4 stars; one submission).

Conditions:
Seizures, benign familial infantile, 3 (BFIS3). Also called: Familial neonatal seizures; CONVULSIONS, BENIGN FAMILIAL INFANTILE, 3. Identifiers: Orphanet 140927, Orphanet 306, MedGen C1843140, MONDO:0011904, OMIM 607745.
Developmental and epileptic encephalopathy, 11 (DEE11). Also called: Early infantile epileptic encephalopathy 11. Identifiers: Orphanet 1934, MedGen C3150987, MONDO:0013388, OMIM 613721.

Allele frequency attached by ClinVar (database versions not stated): gnomAD exomes below 0.00001; ExAC 0.00001.

Submission:

Labcorp Genetics (formerly Invitae), Labcorp
Classification: Uncertain significance for Seizures, benign familial infantile, 3; Developmental and epileptic encephalopathy, 11. Last evaluated: 2023-12-18. Review status: criteria provided, single submitter. Criteria: Invitae Variant Classification Sherloc (09022015). Collection method: clinical testing. Allele origin: germline.
Comment: This sequence change replaces methionine, which is neutral and non-polar, with lysine, which is basic and polar, at codon 1523 of the SCN2A protein (p.Met1523Lys). This variant is present in population databases (rs774749155, gnomAD 0.003%). This variant has not been reported in the literature in individuals affected with SCN2A-related conditions. ClinVar contains an entry for this variant (Variation ID: 1971123). Advanced modeling of protein sequence and biophysical properties (such as structural, functional, and spatial information, amino acid conservation, physicochemical variation, residue mobility, and thermodynamic stability) has been performed at Invitae for this missense variant, however the output from this modeling did not meet the statistical confidence thresholds required to predict the impact of this variant on SCN2A protein function. In summary, the available evidence is currently insufficient to determine the role of this variant in disease. Therefore, it has been classified as a Variant of Uncertain Significance.

NM_001040142.2(SCN2A):c.4568T>A (p.Met1523Lys)

Gene: SCN2A (sodium voltage-gated channel alpha subunit 2; plus strand). Cytogenetic location: 2q24.3.
Variant type: single nucleotide variant.
Coding change: c.4568T>A on transcript NM_001040142.2 (MANE Select); coding-DNA position 4568, T replaced by A.
Protein change: p.Met1523Lys; replaces methionine 1523 with lysine.
Molecular consequence: missense variant.
Genome position (GRCh38, 1-based): chr2:165,386,762, T>A. VCF-style: chr2-165386762-T-A. GRCh37 (hg19) VCF-style: chr2-166243272-T-A.
Other names: c.4568T>A, p.Met1523Lys (NM_001040143.2, NM_001371246.1, NM_001371247.1 and 1 more transcripts); short protein forms M1523K.
Identifiers: ClinVar variation 1971123 (VCV001971123.5), dbSNP rs774749155, ClinGen allele CA1940304.